The following is an entry in ClinVar:

NM_015884.4(MBTPS2):c.1525G>T (p.Val509Leu)

Gene: MBTPS2 (membrane bound transcription factor peptidase, site 2; plus strand). Cytogenetic location: Xp22.12.
Variant type: single nucleotide variant.
Coding change: c.1525G>T on transcript NM_015884.4 (MANE Select); coding-DNA position 1525, G replaced by T.
Protein change: p.Val509Leu; replaces valine 509 with leucine.
Molecular consequence: missense variant.
Genome position (GRCh38, 1-based): chrX:21,882,620, G>T. VCF-style: chrX-21882620-G-T. GRCh37 (hg19) VCF-style: chrX-21900738-G-T.
Other names: short protein forms V509L.
Identifiers: ClinVar variation 1327215 (VCV001327215.2), dbSNP rs778352155, ClinGen allele CA412570795.

ClinVar aggregate classification (germline): Uncertain significance (1 of 4 stars; one submission).

Submission:

GeneDx
Classification: Uncertain significance. Last evaluated: 2021-06-01. Review status: criteria provided, single submitter. Criteria: GeneDx Variant Classification Process June 2021. Collection method: clinical testing. Allele origin: germline. Affected: yes.
Comment: Has not been previously published as pathogenic or benign to our knowledge; Not observed at significant frequency in large population cohorts (Lek et al., 2016); In silico analysis supports that this missense variant does not alter protein structure/function; This variant is associated with the following publications: (PMID: 27535533)